The following is an entry in ClinVar:

NM_005045.4(RELN):c.805+1G>T

Gene: RELN (reelin; minus strand). Cytogenetic location: 7q22.1.
Variant type: single nucleotide variant.
Coding change: c.805+1G>T on transcript NM_005045.4 (MANE Select); the canonical splice donor site of the intron after coding-DNA position 805, G replaced by T.
Molecular consequence: splice donor variant.
Genome position (GRCh38, 1-based): chr7:103,723,139, C>A on the plus strand (G>T on the coding strand, the complement: RELN is on the minus strand). VCF-style: chr7-103723139-C-A. GRCh37 (hg19) VCF-style: chr7-103363586-C-A.
Other names: c.805+1G>T (NM_173054.3).
Identifiers: ClinVar variation 2953756 (VCV002953756.3), dbSNP rs1246873642, ClinGen allele CA368928713.

ClinVar aggregate classification (germline): Likely pathogenic (1 of 4 stars; one submission).

Conditions:
Norman-Roberts syndrome (LIS2). Also called: Lissencephaly 2 (Norman-Roberts type). Identifiers: Orphanet 89844, MedGen C0796089, MONDO:0009760, OMIM 257320.
Familial temporal lobe epilepsy 7. Identifiers: Orphanet 101046, MedGen C4225327, MONDO:0014639, OMIM 616436.

Submission:

Labcorp Genetics (formerly Invitae), Labcorp
Classification: Likely pathogenic for Familial temporal lobe epilepsy 7; Norman-Roberts syndrome. Last evaluated: 2023-11-10. Review status: criteria provided, single submitter. Criteria: Invitae Variant Classification Sherloc (09022015). Collection method: clinical testing. Allele origin: germline.
Comment: This sequence change affects a donor splice site in intron 8 of the RELN gene. It is expected to disrupt RNA splicing. Variants that disrupt the donor or acceptor splice site typically lead to a loss of protein function (PMID: 16199547), and loss-of-function variants in RELN are known to be pathogenic (PMID: 10973257, 26046367, 28454995). This variant is not present in population databases (gnomAD no frequency). This variant has not been reported in the literature in individuals affected with RELN-related conditions. Algorithms developed to predict the effect of sequence changes on RNA splicing suggest that this variant may disrupt the consensus splice site. In summary, the currently available evidence indicates that the variant is pathogenic, but additional data are needed to prove that conclusively. Therefore, this variant has been classified as Likely Pathogenic.

Literature cited by the submitters: PubMed 16199547; PubMed 10973257; PubMed 26046367; PubMed 28454995.